The following is an entry in ClinVar:

NM_004385.5(VCAN):c.1754C>A (p.Thr585Asn)

Gene: VCAN (versican; plus strand). Cytogenetic location: 5q14.3.
Variant type: single nucleotide variant.
Coding change: c.1754C>A on transcript NM_004385.5 (MANE Select); coding-DNA position 1754, C replaced by A.
Protein change: p.Thr585Asn; replaces threonine 585 with asparagine.
Molecular consequence: missense variant. On other transcripts: intron variant (2).
Genome position (GRCh38, 1-based): chr5:83,520,060, C>A. VCF-style: chr5-83520060-C-A. GRCh37 (hg19) VCF-style: chr5-82815879-C-A.
Other names: c.1754C>A, p.Thr585Asn (NM_001164098.2); c.1042+7664C>A (NM_001164097.2, NM_001126336.3); short protein forms T585N.
Identifiers: ClinVar variation 1994804 (VCV001994804.4), dbSNP rs1178299881, ClinGen allele CA360301792.
Genomic context (GRCh38, chr5:83,520,060, plus strand): 5'-GATCTGATGAGAGCACCTTGATCTTTGACCAAATTCCTGAAGTCATTACGGTGTCAAAGA[C>A]TTCAGAAGACACCATCCACACTCATTTAGAAGACTTGGAGTCAGTCTCAGCATCCACAAC-3'
Protein context (NP_004376.2, residues 575-595): QIPEVITVSK[Thr585Asn]SEDTIHTHLE

ClinVar aggregate classification (germline): Uncertain significance (1 of 4 stars; one submission).

Submission:

Labcorp Genetics (formerly Invitae), Labcorp
Classification: Uncertain significance. Last evaluated: 2022-05-15. Review status: criteria provided, single submitter. Criteria: Invitae Variant Classification Sherloc (09022015). Collection method: clinical testing. Allele origin: germline.
Comment: This sequence change replaces threonine, which is neutral and polar, with asparagine, which is neutral and polar, at codon 585 of the VCAN protein (p.Thr585Asn). This variant is not present in population databases (gnomAD no frequency). This variant has not been reported in the literature in individuals affected with VCAN-related conditions. Algorithms developed to predict the effect of missense changes on protein structure and function are either unavailable or do not agree on the potential impact of this missense change (SIFT: "Deleterious"; PolyPhen-2: "Probably Damaging"; Align-GVGD: "Class C0"). In summary, the available evidence is currently insufficient to determine the role of this variant in disease. Therefore, it has been classified as a Variant of Uncertain Significance.